The following is an entry in ClinVar:

NM_020693.4(DSCAML1):c.6062G>A (p.Gly2021Glu)

Gene: DSCAML1 (DS cell adhesion molecule like 1; minus strand). Cytogenetic location: 11q23.3.
Variant type: single nucleotide variant.
Coding change: c.6062G>A on transcript NM_020693.4 (MANE Select); coding-DNA position 6062, G replaced by A.
Protein change: p.Gly2021Glu; replaces glycine 2021 with glutamic acid.
Molecular consequence: missense variant.
Genome position (GRCh38, 1-based): chr11:117,428,428, C>T on the plus strand (G>A on the coding strand, the complement: DSCAML1 is on the minus strand). VCF-style: chr11-117428428-C-T. GRCh37 (hg19) VCF-style: chr11-117299144-C-T.
Other names: short protein forms G2021E.
Identifiers: ClinVar variation 1923822 (VCV001923822.5), dbSNP rs1327920172, ClinGen allele CA382750879.
Genomic context (GRCh38, chr11:117,428,428, plus strand): 5'-TGCTTCTGAGACCTCCCTACCCCCGATGTGCTCATCTCGAGAAGCGAGTCCCTGGAGCCC[C>T]CCATTTTGGTGTGTGGGCCCCCGGCTCGTGGAGGCTCGGTGCTGGGGGCCGGAGGGGCAG-3'
Protein context (NP_065744.3, residues 2011-2031): PRAGGPHTKM[Gly2021Glu]GSRDSLLEMS

ClinVar aggregate classification (germline): Uncertain significance (1 of 4 stars; one submission).

Allele frequency attached by ClinVar (database versions not stated): gnomAD exomes 0.00003.
gnomAD v4.1: 43 of 1,550,756 alleles (0.0028%); highest among the groups gnomAD compares: Non-Finnish European, 0.0033%; no homozygotes.

Submission:

Labcorp Genetics (formerly Invitae), Labcorp
Classification: Uncertain significance. Last evaluated: 2023-05-08. Review status: criteria provided, single submitter. Criteria: Invitae Variant Classification Sherloc (09022015). Collection method: clinical testing. Allele origin: germline.
Comment: This sequence change replaces glycine, which is neutral and non-polar, with glutamic acid, which is acidic and polar, at codon 2081 of the DSCAML1 protein (p.Gly2081Glu). This variant is present in population databases (no rsID available, gnomAD 0.01%). This variant has not been reported in the literature in individuals affected with DSCAML1-related conditions. ClinVar contains an entry for this variant (Variation ID: 1923822). An algorithm developed to predict the effect of missense changes on protein structure and function (PolyPhen-2) suggests that this variant is likely to be tolerated. In summary, the available evidence is currently insufficient to determine the role of this variant in disease. Therefore, it has been classified as a Variant of Uncertain Significance.